The following is an entry in ClinVar:

ClinVar aggregate classification (germline): Conflicting classifications of pathogenicity. Review status: criteria provided, conflicting classifications (1 of 4 stars). 3 submissions from 3 submitters: Uncertain significance (2); Likely benign (1). Last evaluated 2026-08-03.

Conditions:
Inborn genetic diseases. Identifiers: MedGen C0950123, MeSH D030342.

Allele frequency attached by ClinVar (database versions not stated): gnomAD 0.00001; ESP Exome Variant Server 0.00008; gnomAD exomes 0.00001; TOPMed 0.00001; ExAC 0.00002.
gnomAD v4.1: 16 of 1,610,216 alleles (0.00099%); highest among the groups gnomAD compares: Middle Eastern, 0.045%; no homozygotes.

Submissions (3):

Ambry Genetics
Classification: Uncertain significance for Inborn genetic diseases. Last evaluated: 2026-08-03. Review status: criteria provided, single submitter. Criteria: Ambry Variant Classification Scheme 2023. Collection method: clinical testing. Allele origin: germline.
Comment: The c.8390G>A (p.G2797D) alteration is located in exon 23 (coding exon 23) of the PKD1 gene. This alteration results from a G to A substitution at nucleotide position 8390, causing the glycine (G) at amino acid position 2797 to be replaced by an aspartic acid (D). Based on data from gnomAD, the A allele has an overall frequency of 0.002% (4/244302) total alleles studied. The highest observed frequency was 0.007% (2/30582) of South Asian alleles. Based on insufficient or conflicting evidence, the clinical significance of this alteration remains unclear.

GeneDx
Classification: Uncertain significance. Last evaluated: 2023-02-16. Review status: criteria provided, single submitter. Criteria: GeneDx Variant Classification Process June 2021. Collection method: clinical testing. Allele origin: germline. Affected: yes.
Comment: In silico analysis supports that this missense variant does not alter protein structure/function; Has not been previously published as pathogenic or benign to our knowledge

Blueprint Genetics
Classification: Likely benign. Last evaluated: 2019-04-15. Review status: criteria provided, single submitter. Criteria: ACMG Guidelines, 2015. Collection method: clinical testing. Allele origin: germline.

NM_001009944.3(PKD1):c.8390G>A (p.Gly2797Asp)

Gene: PKD1 (polycystin 1, transient receptor potential channel interacting; minus strand). Cytogenetic location: 16p13.3.
Variant type: single nucleotide variant.
Coding change: c.8390G>A on transcript NM_001009944.3 (MANE Select); coding-DNA position 8390, G replaced by A.
Protein change: p.Gly2797Asp; replaces glycine 2797 with aspartic acid.
Molecular consequence: missense variant.
Genome position (GRCh38, 1-based): chr16:2,103,667, C>T on the plus strand (G>A on the coding strand, the complement: PKD1 is on the minus strand). VCF-style: chr16-2103667-C-T. GRCh37 (hg19) VCF-style: chr16-2153668-C-T.
Other names: c.8390G>A (NM_000296.3); c.8390G>A, p.Gly2797Asp (NM_000296.4); short protein forms G2797D.
Identifiers: ClinVar variation 2442407 (VCV002442407.3), dbSNP rs376712315, ClinGen allele CA7830535.